The following is an entry in ClinVar:

NM_020975.6(RET):c.1676C>T (p.Ser559Phe)

Gene: RET (ret proto-oncogene; plus strand). Cytogenetic location: 10q11.21.
Variant type: single nucleotide variant.
Coding change: c.1676C>T on transcript NM_020975.6 (MANE Select); coding-DNA position 1676, C replaced by T.
Protein change: p.Ser559Phe; replaces serine 559 with phenylalanine.
Molecular consequence: missense variant.
Genome position (GRCh38, 1-based): chr10:43,112,880, C>T. VCF-style: chr10-43112880-C-T. GRCh37 (hg19) VCF-style: chr10-43608328-C-T.
Other names: c.1676C>T, p.Ser559Phe (NM_001406765.1, NM_020630.7, NM_001406743.1 and 4 more transcripts); c.1388C>T, p.Ser463Phe (NM_001406766.1, NM_001406767.1, NM_001406770.1); c.1547C>T, p.Ser516Phe (NM_001406768.1, NM_001406761.1, NM_001406762.1 and 1 more transcripts); c.1280C>T, p.Ser427Phe (NM_001406769.1, NM_001406772.1); c.1238C>T, p.Ser413Phe (NM_001406771.1, NM_001406773.1); c.1151C>T, p.Ser384Phe (NM_001406774.1); c.950C>T, p.Ser317Phe (NM_001406775.1, NM_001406776.1, NM_001406777.1 and 1 more transcripts); c.779C>T, p.Ser260Phe (NM_001406779.1, NM_001406780.1, NM_001406781.1 and 3 more transcripts); and 5 more; short protein forms S463F, S217F, S229F, S260F, S317F, S384F, S164F, S305F.
Identifiers: ClinVar variation 3432253 (VCV003432253.1).

ClinVar aggregate classification (germline): Uncertain significance (1 of 4 stars; one submission).

Conditions:
Hereditary cancer-predisposing syndrome. Also called: Neoplastic Syndromes, Hereditary; Tumor predisposition; Hereditary Cancer Syndrome; Hereditary neoplastic syndrome. Identifiers: Orphanet 140162, MedGen C0027672, MeSH D009386, MONDO:0015356.

gnomAD v4.1: 2 of 1,614,136 alleles (0.00012%); highest among the groups gnomAD compares: South Asian, 0.0022%; no homozygotes.

Submission:

Ambry Genetics
Classification: Uncertain significance for Hereditary cancer-predisposing syndrome. Last evaluated: 2024-09-02. Review status: criteria provided, single submitter. Criteria: Ambry Variant Classification Scheme 2023. Collection method: clinical testing. Allele origin: germline.
Comment: The p.S559F variant (also known as c.1676C>T), located in coding exon 9 of the RET gene, results from a C to T substitution at nucleotide position 1676. The serine at codon 559 is replaced by phenylalanine, an amino acid with highly dissimilar properties. This amino acid position is conserved. In addition, the in silico prediction for this alteration is inconclusive. Based on the available evidence, the clinical significance of this variant remains unclear.